The following is an entry in ClinVar:

NM_000384.3(APOB):c.11579A>G (p.Gln3860Arg)

Gene: APOB (apolipoprotein B; minus strand). Cytogenetic location: 2p24.1.
Variant type: single nucleotide variant.
Coding change: c.11579A>G on transcript NM_000384.3 (MANE Select); coding-DNA position 11579, A replaced by G.
Protein change: p.Gln3860Arg; replaces glutamine 3860 with arginine.
Molecular consequence: missense variant.
Genome position (GRCh38, 1-based): chr2:21,005,289, T>C on the plus strand (A>G on the coding strand, the complement: APOB is on the minus strand). VCF-style: chr2-21005289-T-C. GRCh37 (hg19) VCF-style: chr2-21228161-T-C.
Other names: c.11579A>G (NM_000384.2); short protein forms Q3860R.
Identifiers: ClinVar variation 2933413 (VCV002933413.4), dbSNP rs1454542532, ClinGen allele CA345978003.

ClinVar aggregate classification (germline): Conflicting classifications of pathogenicity. Review status: criteria provided, conflicting classifications (1 of 4 stars). 2 submissions from 2 submitters: Uncertain significance (1); Likely benign (1). Last evaluated 2025-07-14.

Conditions:
Familial hypobetalipoproteinemia 1. Also called: APOB-Related Familial Hypobetalipoproteinemia; Hypobetalipoproteinemia, normotriglyceridemic; Acanthocytosis with hypobetalipoproteinemia. Identifiers: MedGen C4551990, MONDO:0014252, OMIM 615558.
Hypercholesterolemia, autosomal dominant, type B (FHCL2). Also called: Familial Hypercholesterolemia Type B; APOLIPOPROTEIN B-100, FAMILIAL DEFECTIVE; APOLIPOPROTEIN B-100, FAMILIAL LIGAND-DEFECTIVE; HYPERCHOLESTEROLEMIA, FAMILIAL, DUE TO LIGAND-DEFECTIVE APOLIPOPROTEIN B; Hyperlipoproteinemia Type IIb; Familial hypercholesterolemia 2. Identifiers: MedGen C1704417, MONDO:0007751, OMIM 144010.

Allele frequency attached by ClinVar (database versions not stated): gnomAD exomes below 0.00001; TOPMed below 0.00001; gnomAD 0.00001.
gnomAD v4.1: 3 of 1,613,970 alleles (0.00019%); highest among the groups gnomAD compares: African/African-American, 0.0027%; no homozygotes.

Submissions (2):

GeneDx
Classification: Uncertain significance. Last evaluated: 2025-07-14. Review status: criteria provided, single submitter. Criteria: GeneDx Variant Classification Process June 2021. Collection method: clinical testing. Allele origin: germline. Affected: yes.
Comment: Not observed at significant frequency in large population cohorts (gnomAD); In silico analysis supports that this missense variant has a deleterious effect on protein structure/function; Has not been previously published as pathogenic or benign to our knowledge

Labcorp Genetics (formerly Invitae), Labcorp
Classification: Likely benign for Familial hypobetalipoproteinemia 1; Hypercholesterolemia, autosomal dominant, type B. Last evaluated: 2023-04-19. Review status: criteria provided, single submitter. Criteria: Invitae Variant Classification Sherloc (09022015). Collection method: clinical testing. Allele origin: germline.